The following is an entry in ClinVar:

ClinVar aggregate classification (germline): Uncertain significance (1 of 4 stars; one submission).

Allele frequency attached by ClinVar (database versions not stated): TOPMed 0.00001; gnomAD exomes 0.00001.
gnomAD v4.1: 9 of 1,614,154 alleles (0.00056%); highest among the groups gnomAD compares: African/African-American, 0.0013%; no homozygotes.

Submission:

Labcorp Genetics (formerly Invitae), Labcorp
Classification: Uncertain significance. Last evaluated: 2025-12-01. Review status: criteria provided, single submitter. Criteria: Invitae Variant Classification Sherloc (09022015). Collection method: clinical testing. Allele origin: germline.
Comment: This sequence change replaces serine, which is neutral and polar, with asparagine, which is neutral and polar, at codon 127 of the SIAE protein (p.Ser127Asn). This variant is present in population databases (no rsID available, gnomAD no frequency). This variant has not been reported in the literature in individuals affected with SIAE-related conditions. ClinVar contains an entry for this variant (Variation ID: 2782739). An algorithm developed to predict the effect of missense changes on protein structure and function (PolyPhen-2) suggests that this variant is likely to be disruptive. In summary, the available evidence is currently insufficient to determine the role of this variant in disease. Therefore, it has been classified as a Variant of Uncertain Significance.

NM_170601.5(SIAE):c.380G>A (p.Ser127Asn)

Gene: SIAE (sialic acid acetylesterase; minus strand). Cytogenetic location: 11q24.2.
Variant type: single nucleotide variant.
Coding change: c.380G>A on transcript NM_170601.5 (MANE Select); coding-DNA position 380, G replaced by A.
Protein change: p.Ser127Asn; replaces serine 127 with asparagine.
Molecular consequence: missense variant.
Genome position (GRCh38, 1-based): chr11:124,660,653, C>T on the plus strand (G>A on the coding strand, the complement: SIAE is on the minus strand). VCF-style: chr11-124660653-C-T. GRCh37 (hg19) VCF-style: chr11-124530549-C-T.
Other names: c.275G>A, p.Ser92Asn (NM_001199922.2); short protein forms S127N, S92N.
Identifiers: ClinVar variation 2782739 (VCV002782739.3), dbSNP rs1469447831, ClinGen allele CA383120837.